The following is an entry in ClinVar:

ClinVar aggregate classification (germline): Uncertain significance (1 of 4 stars; one submission).

Conditions:
Cardiovascular phenotype. Identifiers: MedGen CN230736.

gnomAD v4.1: 1 of 1,550,378 alleles (0.000065%); highest among the groups gnomAD compares: Non-Finnish European, 0.000087%; no homozygotes.

Submission:

Ambry Genetics
Classification: Uncertain significance for Cardiovascular phenotype. Last evaluated: 2023-10-19. Review status: criteria provided, single submitter. Criteria: Ambry Variant Classification Scheme 2023. Collection method: clinical testing. Allele origin: germline.
Comment: The p.S2345I variant (also known as c.7034G>T), located in coding exon 2 of the ZNF469 gene, results from a G to T substitution at nucleotide position 7034. The serine at codon 2345 is replaced by isoleucine, an amino acid with dissimilar properties. This amino acid position is conserved. In addition, this alteration is predicted to be tolerated by in silico analysis. Since supporting evidence is limited at this time, the clinical significance of this alteration remains unclear.

NM_001367624.2(ZNF469):c.7118G>T (p.Ser2373Ile)

Gene: ZNF469 (zinc finger protein 469; plus strand). Cytogenetic location: 16q24.2.
Variant type: single nucleotide variant.
Coding change: c.7118G>T on transcript NM_001367624.2 (MANE Select); coding-DNA position 7118, G replaced by T.
Protein change: p.Ser2373Ile; replaces serine 2373 with isoleucine.
Molecular consequence: missense variant.
Genome position (GRCh38, 1-based): chr16:88,434,588, G>T. VCF-style: chr16-88434588-G-T. GRCh37 (hg19) VCF-style: chr16-88500996-G-T.
Other names: NM_001127464.1:c.7034G>T; short protein forms S2373I.
Identifiers: ClinVar variation 3232849 (VCV003232849.1), dbSNP rs2507595477, ClinGen allele CA397108559.
Genomic context (GRCh38, chr16:88,434,588, plus strand): 5'-CCACGCTACAGGGTGCAGGGCCGGACTCCCCCGCCTGCCTGGAAGGTGAGATGGGGACCA[G>T]CAGCAAGGAGCCGGAGGACCCAGGGACCCCTGAGACCGGGCGCTCTGGTGCTACCAAGAT-3'
Protein context (NP_001354553.1, residues 2363-2383): PACLEGEMGT[Ser2373Ile]SKEPEDPGTP